The following is an entry in ClinVar:

NM_003803.4(MYOM1):c.4456G>A (p.Glu1486Lys)

Gene: MYOM1 (myomesin 1; minus strand). Cytogenetic location: 18p11.31.
Variant type: single nucleotide variant.
Coding change: c.4456G>A on transcript NM_003803.4 (MANE Select); coding-DNA position 4456, G replaced by A.
Protein change: p.Glu1486Lys; replaces glutamic acid 1486 with lysine.
Molecular consequence: missense variant.
Genome position (GRCh38, 1-based): chr18:3,083,817, C>T on the plus strand (G>A on the coding strand, the complement: MYOM1 is on the minus strand). VCF-style: chr18-3083817-C-T. GRCh37 (hg19) VCF-style: chr18-3083815-C-T.
Other names: c.4168G>A, p.Glu1390Lys (NM_019856.2); short protein forms E1390K, E1486K.
Identifiers: ClinVar variation 1740734 (VCV001740734.4), dbSNP rs373850763, ClinGen allele CA8873936.

ClinVar aggregate classification (germline): Uncertain significance. Review status: criteria provided, multiple submitters, no conflicts (2 of 4 stars). 2 submissions from 2 submitters: Uncertain significance (2). Last evaluated 2024-11-26.

Conditions:
Hypertrophic cardiomyopathy. Also called: HYPERTROPHIC MYOCARDIOPATHY. Identifiers: Orphanet 217569, MedGen C0007194, MeSH D002312, MONDO:0005045, HP:0001639.

Allele frequency attached by ClinVar (database versions not stated): gnomAD 0.00002; TOPMed 0.00002; ExAC 0.00004; ESP Exome Variant Server 0.00008.
gnomAD v4.1: 6 of 1,576,328 alleles (0.00038%); highest among the groups gnomAD compares: African/African-American, 0.0067%; no homozygotes.

Submissions (2):

Labcorp Genetics (formerly Invitae), Labcorp
Classification: Uncertain significance for Hypertrophic cardiomyopathy. Last evaluated: 2024-11-26. Review status: criteria provided, single submitter. Criteria: Invitae Variant Classification Sherloc (09022015). Collection method: clinical testing. Allele origin: germline.
Comment: This sequence change replaces glutamic acid, which is acidic and polar, with lysine, which is basic and polar, at codon 1486 of the MYOM1 protein (p.Glu1486Lys). The frequency data for this variant in the population databases is considered unreliable, as metrics indicate poor data quality at this position in the gnomAD database. This variant has not been reported in the literature in individuals affected with MYOM1-related conditions. ClinVar contains an entry for this variant (Variation ID: 1740734). Invitae Evidence Modeling of protein sequence and biophysical properties (such as structural, functional, and spatial information, amino acid conservation, physicochemical variation, residue mobility, and thermodynamic stability) indicates that this missense variant is not expected to disrupt MYOM1 protein function with a negative predictive value of 80%. In summary, the available evidence is currently insufficient to determine the role of this variant in disease. Therefore, it has been classified as a Variant of Uncertain Significance.

Ambry Genetics
Classification: Uncertain significance. Last evaluated: 2021-08-22. Review status: criteria provided, single submitter. Criteria: Ambry Variant Classification Scheme 2023. Collection method: clinical testing. Allele origin: germline.
Comment: The p.E1486K variant (also known as c.4456G>A), located in coding exon 32 of the MYOM1 gene, results from a G to A substitution at nucleotide position 4456. The glutamic acid at codon 1486 is replaced by lysine, an amino acid with similar properties. This amino acid position is conserved. In addition, this alteration is predicted to be tolerated by in silico analysis. Since supporting evidence is limited at this time, the clinical significance of this alteration remains unclear.